The following is an entry in ClinVar:

NM_006852.6(TLK2):c.1052dup (p.Gln352fs)

Gene: TLK2 (tousled like kinase 2; plus strand). Cytogenetic location: 17q23.2.
Variant type: Duplication.
Coding change: c.1052dup on transcript NM_006852.6 (MANE Select); coding-DNA position 1052, one base duplicated (G; older notation c.1052dupG).
Protein change: p.Gln352fs; shifts the reading frame from glutamine 352.
Molecular consequence: frameshift variant.
Genome position (GRCh38, 1-based): chr17:62,573,298, G duplicated; the last of 3 consecutive G bases (chr17:62,573,296-62,573,298); duplicating any one gives the same sequence. VCF-style (leftmost placement, unchanged base first): chr17-62573295-T-TG. GRCh37 (hg19) VCF-style: chr17-60650656-T-TG.
Other names: c.1052dup, p.Gln352fs (NM_001284333.3, NM_001375270.1, NM_001375271.1); c.956dup, p.Gln320fs (NM_001284363.1, NM_001375272.1); c.605dup, p.Gln203fs (NM_001330418.3, NM_001375273.1); c.1094dup, p.Gln366fs (NM_001375269.1); short protein forms Q203fs, Q320fs, Q352fs, Q366fs.
Identifiers: ClinVar variation 1675684 (VCV001675684.33), dbSNP rs2146616137, ClinGen allele CA2573154449.

ClinVar aggregate classification (germline): Pathogenic (1 of 4 stars; one submission).

Submission:

CeGaT Center for Human Genetics Tuebingen
Classification: Pathogenic. Last evaluated: 2022-03-01. Review status: criteria provided, single submitter. Criteria: CeGaT Center For Human Genetics Tuebingen Variant Classification Criteria Version 2. Collection method: clinical testing. Allele origin: germline. Affected: yes. Observed: 1 variant allele.
Comment: TLK2: PVS1, PM2, PS2:Moderate